The following is an entry in ClinVar:

ClinVar aggregate classification (germline): Pathogenic (1 of 4 stars; one submission).

Conditions:
Aniridia 1 (AN1). Identifiers: Orphanet 250923, MedGen C0344542, MONDO:0024507, OMIM 106210.
Irido-corneo-trabecular dysgenesis (ASGD5). Also called: ANTERIOR SEGMENT DYSGENESIS 5. Identifiers: Orphanet 708, MedGen C0344559, MONDO:0011414, OMIM 604229, HP:0000659.

Submission:

Labcorp Genetics (formerly Invitae), Labcorp
Classification: Pathogenic for Aniridia 1; Irido-corneo-trabecular dysgenesis. Last evaluated: 2025-04-17. Review status: criteria provided, single submitter. Criteria: Invitae Variant Classification Sherloc (09022015). Collection method: clinical testing. Allele origin: germline.
Comment: This sequence change creates a premature translational stop signal (p.Thr25Profs*6) in the PAX6 gene. It is expected to result in an absent or disrupted protein product. Loss-of-function variants in PAX6 are known to be pathogenic (PMID: 12634864). This variant is not present in population databases (gnomAD no frequency). This variant has not been reported in the literature in individuals affected with PAX6-related conditions. For these reasons, this variant has been classified as Pathogenic.

Literature cited by the submitters: PubMed 12634864.

NM_001368894.2(PAX6):c.72del (p.Thr25fs)

Gene: PAX6 (paired box 6; minus strand). Cytogenetic location: 11p13.
Variant type: Deletion.
Coding change: c.72del on transcript NM_001368894.2 (MANE Select); coding-DNA position 72, one base deleted (C; older notation c.72delC).
Protein change: p.Thr25fs; shifts the reading frame from threonine 25.
Molecular consequence: frameshift variant. On other transcripts: 5 prime UTR variant (12), non-coding transcript variant (2), intron variant (2).
Genome position (GRCh38, 1-based): chr11:31,802,773, G deleted on the plus strand (C on the coding strand, the reverse complement: PAX6 is on the minus strand); the first of 2 consecutive G bases (chr11:31,802,773-31,802,774); deleting either gives the same sequence. VCF-style (leftmost placement, unchanged base first): chr11-31802772-TG-T. GRCh37 (hg19) VCF-style: chr11-31824320-TG-T.
Other names: c.72del, p.Thr25fs (NM_001368915.2, NM_001368916.2, NM_001368917.2 and 30 more transcripts); c.-379del (NM_001368929.2, NM_001310161.3, NM_001368900.2 and 2 more transcripts); c.-267-997del (NM_001368909.2, NM_001368904.2); c.-710del (NM_001310160.2, NM_001368905.2); c.-337del (NM_001368899.2, NM_001368901.2, NM_001368906.2 and 1 more transcripts); c.-668del (NM_001368902.2); c.315del, p.Thr106fs (NM_001368910.2); c.75del, p.Thr26fs (NM_001368911.2); short protein forms T25fs, T106fs, T26fs.
Identifiers: ClinVar variation 4784757 (VCV004784757.1).